The following is an entry in ClinVar:

NM_004523.4(KIF11):c.1844C>T (p.Ala615Val)

Gene: KIF11 (kinesin family member 11; plus strand). Cytogenetic location: 10q23.33.
Variant type: single nucleotide variant.
Coding change: c.1844C>T on transcript NM_004523.4 (MANE Select); coding-DNA position 1844, C replaced by T.
Protein change: p.Ala615Val; replaces alanine 615 with valine.
Molecular consequence: missense variant.
Genome position (GRCh38, 1-based): chr10:92,633,764, C>T. VCF-style: chr10-92633764-C-T. GRCh37 (hg19) VCF-style: chr10-94393521-C-T.
Other names: short protein forms A615V.
Identifiers: ClinVar variation 4076596 (VCV004076596.1).

ClinVar aggregate classification (germline): Uncertain significance (1 of 4 stars; one submission).

Submission:

GeneDx
Classification: Uncertain significance. Last evaluated: 2025-02-19. Review status: criteria provided, single submitter. Criteria: GeneDx Variant Classification Process June 2021. Collection method: clinical testing. Allele origin: germline. Affected: yes.
Comment: Not observed at significant frequency in large population cohorts (gnomAD); In silico analysis indicates that this missense variant does not alter protein structure/function; Has not been previously published as pathogenic or benign to our knowledge